The following is an entry in ClinVar:

ClinVar aggregate classification (germline): Uncertain significance (1 of 4 stars; one submission).

Conditions:
Rhabdoid tumor predisposition syndrome 2 (RTPS2). Identifiers: Orphanet 231108, Orphanet 69077, MedGen C2750074, MONDO:0013224, OMIM 613325.

Submission:

Labcorp Genetics (formerly Invitae), Labcorp
Classification: Uncertain significance for Rhabdoid tumor predisposition syndrome 2. Last evaluated: 2018-06-04. Review status: criteria provided, single submitter. Criteria: Invitae Variant Classification Sherloc (09022015). Collection method: clinical testing. Allele origin: germline.
Comment: In summary, the available evidence is currently insufficient to determine the role of this variant in disease. Therefore, it has been classified as a Variant of Uncertain Significance. Algorithms developed to predict the effect of missense changes on protein structure and function are either unavailable or do not agree on the potential impact of this missense change (SIFT: "Deleterious"; PolyPhen-2: "Benign"; Align-GVGD: "Class C65"). This variant has not been reported in the literature in individuals with SMARCA4-related disease. This variant is not present in population databases (ExAC no frequency). This sequence change replaces proline with leucine at codon 57 of the SMARCA4 protein (p.Pro57Leu). The proline residue is highly conserved and there is a moderate physicochemical difference between proline and leucine.

NM_003072.5(SMARCA4):c.170C>T (p.Pro57Leu)

Gene: SMARCA4 (SWI/SNF related BAF chromatin remodeling complex subunit ATPase 4; plus strand). Cytogenetic location: 19p13.2.
Variant type: single nucleotide variant.
Coding change: c.170C>T on transcript NM_003072.5 (MANE Select); coding-DNA position 170, C replaced by T.
Protein change: p.Pro57Leu; replaces proline 57 with leucine.
Molecular consequence: missense variant. On other transcripts: non-coding transcript variant (1).
Genome position (GRCh38, 1-based): chr19:10,984,321, C>T. VCF-style: chr19-10984321-C-T. GRCh37 (hg19) VCF-style: chr19-11094997-C-T.
Other names: c.170C>T, p.Pro57Leu (NM_001128844.3, NM_001128845.2, NM_001128846.2 and 5 more transcripts); short protein forms P57L.
Identifiers: ClinVar variation 582022 (VCV000582022.8), dbSNP rs1568417458, ClinGen allele CA404054540.